The following is an entry in ClinVar:

ClinVar aggregate classification (germline): Pathogenic (0 of 4 stars; one submission).

Conditions:
Contractures, pterygia, and variable skeletal fusions syndrome 1B. Also called: CONTRACTURES, PTERYGIA, AND SPONDYLOCARPOTARSAL FUSION SYNDROME 1B. Identifiers: MedGen C5193114, MONDO:0020746, OMIM 618469.

Submission:

Joe DiMaggio Children's Hospital, Memorial Healthcare System
Classification: Pathogenic for Contractures, pterygia, and variable skeletal fusions syndrome 1B. Review status: no assertion criteria provided. Collection method: clinical testing. Allele origin: unknown. Inheritance: Autosomal recessive inheritance. Affected: yes. Observed: 1 compound heterozygote.
Comment: "Cameron-Christie et al. (2018) reported 6 patients from 4 families who were compound heterozygous for mutations in the MYH3 gene. Contractures were a consistent finding, affecting variable joints including the neck, shoulders, elbows, fingers, hips, and knees. In addition, all of the patients exhibited vertebral fusions and scoliosis, and most also showed carpal/tarsal fusions as well as webbing involving the neck, elbows, fingers, and/or knees. Other features included facial dysmorphism, short neck, and absent finger flexion creases." Additionally, in silico analysis supports that this missense variant has a deleterious effect on protein structure/ function (GeneDx). The c.2103G>C variant in MYH3 has been observed in compound hetrozygosity with c.2045C>A.

Literature cited by the submitters: PubMed 29805041.

NM_002470.4(MYH3):c.2103G>C (p.Glu701Asp)

Gene: MYH3 (myosin heavy chain 3; minus strand). Cytogenetic location: 17p13.1.
Variant type: single nucleotide variant.
Coding change: c.2103G>C on transcript NM_002470.4 (MANE Select); coding-DNA position 2103, G replaced by C.
Protein change: p.Glu701Asp; replaces glutamic acid 701 with aspartic acid.
Molecular consequence: missense variant.
Genome position (GRCh38, 1-based): chr17:10,641,147, C>G on the plus strand (G>C on the coding strand, the complement: MYH3 is on the minus strand). VCF-style: chr17-10641147-C-G. GRCh37 (hg19) VCF-style: chr17-10544464-C-G.
Other names: short protein forms E701D.
Identifiers: ClinVar variation 1299399 (VCV001299399.2), dbSNP rs2142401800, ClinGen allele CA398166645.